The following is an entry in ClinVar:

ClinVar aggregate classification (germline): Uncertain significance (1 of 4 stars; one submission).

Conditions:
Neuroblastoma, susceptibility to, 3. Also called: ALK-Related Neuroblastic Tumor Susceptibility. Identifiers: Orphanet 635, MedGen C2751681, MONDO:0013083, OMIM 613014.

Submission:

Labcorp Genetics (formerly Invitae), Labcorp
Classification: Uncertain significance for Neuroblastoma, susceptibility to, 3. Last evaluated: 2022-11-01. Review status: criteria provided, single submitter. Criteria: Invitae Variant Classification Sherloc (09022015). Collection method: clinical testing. Allele origin: germline.
Comment: In summary, the available evidence is currently insufficient to determine the role of this variant in disease. Therefore, it has been classified as a Variant of Uncertain Significance. Algorithms developed to predict the effect of missense changes on protein structure and function (SIFT, PolyPhen-2, Align-GVGD) all suggest that this variant is likely to be tolerated. ClinVar contains an entry for this variant (Variation ID: 404378). This variant has not been reported in the literature in individuals affected with ALK-related conditions. This variant is not present in population databases (gnomAD no frequency). This sequence change replaces alanine, which is neutral and non-polar, with proline, which is neutral and non-polar, at codon 112 of the ALK protein (p.Ala112Pro).

NM_004304.5(ALK):c.334G>C (p.Ala112Pro)

Gene: ALK (ALK receptor tyrosine kinase; minus strand). Cytogenetic location: 2p23.1.
Variant type: single nucleotide variant.
Coding change: c.334G>C on transcript NM_004304.5 (MANE Select); coding-DNA position 334, G replaced by C.
Protein change: p.Ala112Pro; replaces alanine 112 with proline.
Molecular consequence: missense variant.
Genome position (GRCh38, 1-based): chr2:29,920,326, C>G on the plus strand (G>C on the coding strand, the complement: ALK is on the minus strand). VCF-style: chr2-29920326-C-G. GRCh37 (hg19) VCF-style: chr2-30143192-C-G.
Other names: short protein forms A112P.
Identifiers: ClinVar variation 404378 (VCV000404378.9), dbSNP rs1060500227, ClinGen allele CA16610825.